The following is an entry in ClinVar:

ClinVar aggregate classification (germline): Likely pathogenic (1 of 4 stars; one submission).

Conditions:
Hemolytic anemia due to glutathione reductase deficiency (CNSHA10). Also called: ANEMIA, CONGENITAL, NONSPHEROCYTIC HEMOLYTIC, 10. Identifiers: Orphanet 90030, MedGen C5231513, MONDO:0019531, OMIM 618660.

gnomAD v4.1: 5 of 1,371,790 alleles (0.00036%); highest among the groups gnomAD compares: South Asian, 0.0017%; no homozygotes.

Submission:

First Genomix Gene Laboratory, Genetic Diagnostics Department
Classification: Likely pathogenic for Hemolytic anemia due to glutathione reductase deficiency. Last evaluated: 2025-07-18. Review status: criteria provided, single submitter. Criteria: ACMG Guidelines, 2015. Collection method: clinical testing. Allele origin: germline. Inheritance: Autosomal recessive inheritance. Affected: no. Observed: 1 variant allele.

NM_000637.5(GSR):c.70C>T (p.Arg24Ter)

Genes: GSR (glutathione-disulfide reductase; minus strand), LOC130000170 (ATAC-STARR-seq lymphoblastoid silent region 19083; plus strand). Cytogenetic location: 8p12.
Variant type: single nucleotide variant.
Coding change: c.70C>T on transcript NM_000637.5 (MANE Select); coding-DNA position 70, C replaced by T.
Protein change: p.Arg24Ter; replaces arginine 24 with a stop codon.
Molecular consequence: nonsense.
Genome position (GRCh38, 1-based): chr8:30,727,766, G>A on the plus strand (C>T on the coding strand, the complement: GSR is on the minus strand). VCF-style: chr8-30727766-G-A. GRCh37 (hg19) VCF-style: chr8-30585283-G-A.
Other names: c.70C>T, p.Arg24Ter (NM_001195102.3, NM_001195103.3, NM_001195104.3); short protein forms R24*.
Identifiers: ClinVar variation 4849357 (VCV004849357.1).